The following is an entry in ClinVar:

NM_030930.4(UNC93B1):c.409T>C (p.Trp137Arg)

Gene: UNC93B1 (unc-93B1 regulator of TLR signaling; minus strand). Cytogenetic location: 11q13.2.
Variant type: single nucleotide variant.
Coding change: c.409T>C on transcript NM_030930.4 (MANE Select); coding-DNA position 409, T replaced by C.
Protein change: p.Trp137Arg; replaces tryptophan 137 with arginine.
Molecular consequence: missense variant.
Genome position (GRCh38, 1-based): chr11:67,999,664, A>G on the plus strand (T>C on the coding strand, the complement: UNC93B1 is on the minus strand). VCF-style: chr11-67999664-A-G. GRCh37 (hg19) VCF-style: chr11-67767134-A-G.
Other names: short protein forms W137R.
Identifiers: ClinVar variation 470498 (VCV000470498.7), dbSNP rs1554985993, ClinGen allele CA381577036.

ClinVar aggregate classification (germline): Uncertain significance (1 of 4 stars; one submission).

Conditions:
Encephalopathy, acute, infection-induced (herpes-specific), susceptibility to, 1. Also called: Herpes simplex encephalitis, susceptibility to, 1. Identifiers: Orphanet 1930, MedGen C2750180, MONDO:0024563, OMIM 610551.

Allele frequency attached by ClinVar (database versions not stated): gnomAD exomes below 0.00001.
gnomAD v4.1: 2 of 1,611,568 alleles (0.00012%); highest among the groups gnomAD compares: Non-Finnish European, 0.00017%; no homozygotes.

Submission:

Labcorp Genetics (formerly Invitae), Labcorp
Classification: Uncertain significance for Encephalopathy, acute, infection-induced (herpes-specific), susceptibility to, 1. Last evaluated: 2017-07-06. Review status: criteria provided, single submitter. Criteria: Invitae Variant Classification Sherloc (09022015). Collection method: clinical testing. Allele origin: germline.
Comment: This sequence change replaces tryptophan with arginine at codon 137 of the UNC93B1 protein (p.Trp137Arg). The tryptophan residue is moderately conserved and there is a moderate physicochemical difference between tryptophan and arginine. In summary, the available evidence is currently insufficient to determine the role of this variant in disease. Therefore, it has been classified as a Variant of Uncertain Significance. Algorithms developed to predict the effect of missense changes on protein structure and function do not agree on the potential impact of this missense change (SIFT: "Deleterious"; Align-GVGD: "Class C0"). This variant has not been reported in the literature in individuals with UNC93B1-related disease. This variant is not present in population databases (ExAC no frequency).